The following is an entry in ClinVar:

ClinVar aggregate classification (germline): Uncertain significance (1 of 4 stars; one submission).

Conditions:
Cardiovascular phenotype. Identifiers: MedGen CN230736.

Submission:

Ambry Genetics
Classification: Uncertain significance for Cardiovascular phenotype. Last evaluated: 2025-08-20. Review status: criteria provided, single submitter. Criteria: Ambry Variant Classification Scheme 2023. Collection method: clinical testing. Allele origin: germline.
Comment: The p.E489D variant (also known as c.1467A>C), located in coding exon 8 of the EPHB4 gene, results from an A to C substitution at nucleotide position 1467. The glutamic acid at codon 489 is replaced by aspartic acid, an amino acid with highly similar properties. This amino acid position is conserved. In addition, this alteration is predicted to be tolerated by in silico analysis. Based on the available evidence, the clinical significance of this variant remains unclear.

NM_004444.5(EPHB4):c.1467A>C (p.Glu489Asp)

Gene: EPHB4 (EPH receptor B4; minus strand). Cytogenetic location: 7q22.1.
Variant type: single nucleotide variant.
Coding change: c.1467A>C on transcript NM_004444.5 (MANE Select); coding-DNA position 1467, A replaced by C.
Protein change: p.Glu489Asp; replaces glutamic acid 489 with aspartic acid.
Molecular consequence: missense variant.
Genome position (GRCh38, 1-based): chr7:100,817,313, T>G on the plus strand (A>C on the coding strand, the complement: EPHB4 is on the minus strand). VCF-style: chr7-100817313-T-G. GRCh37 (hg19) VCF-style: chr7-100414935-T-G.
Other names: short protein forms E489D.
Identifiers: ClinVar variation 4249973 (VCV004249973.1).
Genomic context (GRCh38, chr7:100,817,313, plus strand): 5'-CGCCCGTACCTGCACCAGGTAGCTGGCTCCCCGCTTCAGCCCCCGCAGCTCTGCCCGGTT[T>G]TCTGACGTCTTCAGGAACCGCACGCTGCTGGGACCCTCGGCGCCCTGTCCGGGAGAGGTA-3'
Protein context (NP_004435.3, residues 479-499): PSSVRFLKTS[Glu489Asp]NRAELRGLKR